The following is an entry in ClinVar:

ClinVar aggregate classification (germline): Likely benign (1 of 4 stars; one submission).

gnomAD v4.1: 17 of 1,613,848 alleles (0.0011%); highest among the groups gnomAD compares: Admixed American, 0.0033%; no homozygotes.

Submission:

CeGaT Center for Human Genetics Tuebingen
Classification: Likely benign. Last evaluated: 2025-01-01. Review status: criteria provided, single submitter. Criteria: CeGaT Center For Human Genetics Tuebingen Variant Classification Criteria Version 2. Collection method: clinical testing. Allele origin: germline. Affected: yes. Observed: 1 variant allele.
Comment: OR10G7: BP4, BP7

NM_001004463.2(OR10G7):c.195C>G (p.Ser65=)

Gene: OR10G7 (olfactory receptor family 10 subfamily G member 7; minus strand). Cytogenetic location: 11q24.2.
Variant type: single nucleotide variant.
Coding change: c.195C>G on transcript NM_001004463.2 (MANE Select); coding-DNA position 195, C replaced by G.
Protein change: p.Ser65=; no amino-acid change (serine 65 retained).
Molecular consequence: synonymous variant.
Genome position (GRCh38, 1-based): chr11:124,038,807, G>C on the plus strand (C>G on the coding strand, the complement: OR10G7 is on the minus strand). VCF-style: chr11-124038807-G-C. GRCh37 (hg19) VCF-style: chr11-123909514-G-C.
Identifiers: ClinVar variation 3770971 (VCV003770971.13).
Genomic context (GRCh38, chr11:124,038,807, plus strand): 5'-GGACACCAAGGTCATCAGCATTTTGGGCACCGTGACAGTGGAGAACCACATGTCAATGAA[G>C]GACAGGTTGGTGAGGAAGTAGTACATGGGGGTGTGGAGGTGAGAATCCACCCTGATCACC-3'
Protein context (NP_001004463.1, residues 55-75): TPMYYFLTNL[Ser65=]FIDMWFSTVT